The following is an entry in ClinVar:

NM_001927.4(DES):c.65C>T (p.Pro22Leu)

Gene: DES (desmin; plus strand). Cytogenetic location: 2q35.
Variant type: single nucleotide variant.
Coding change: c.65C>T on transcript NM_001927.4 (MANE Select); coding-DNA position 65, C replaced by T.
Protein change: p.Pro22Leu; replaces proline 22 with leucine.
Molecular consequence: missense variant.
Genome position (GRCh38, 1-based): chr2:219,418,527, C>T. VCF-style: chr2-219418527-C-T. GRCh37 (hg19) VCF-style: chr2-220283249-C-T.
Other names: c.65C>T, p.Pro22Leu (NM_001382708.1, NM_001382709.1, NM_001382710.1 and 3 more transcripts); short protein forms P22L.
Identifiers: ClinVar variation 3753559 (VCV003753559.1).
Genomic context (GRCh38, chr2:219,418,527, plus strand): 5'-GCCAGGCCTACTCGTCCAGCCAGCGCGTGTCCTCCTACCGCCGCACCTTCGGCGGGGCCC[C>T]GGGCTTCCCACTCGGCTCCCCGCTGAGTTCGCCCGTGTTCCCGCGGGCGGGTTTCGGCTC-3'
Protein context (NP_001918.3, residues 12-32): SSYRRTFGGA[Pro22Leu]GFPLGSPLSS

ClinVar aggregate classification (germline): Uncertain significance (1 of 4 stars; one submission).

Conditions:
Desmin-related myofibrillar myopathy (MFM1). Also called: Desminopathy; Desmin related myopathy (former name); Desmin storage myopathy (former name); MYOFIBRILLAR MYOPATHY WITH ARRHYTHMOGENIC RIGHT VENTRICULAR CARDIOMYOPATHY; DESMIN-RELATED MYOPATHY WITH ARRHYTHMOGENIC RIGHT VENTRICULAR CARDIOMYOPATHY; Myofibrillar myopathy 1. Identifiers: Orphanet 363543, Orphanet 98909, MedGen C1832370, MONDO:0011076, OMIM 601419.

gnomAD v4.1: 1 of 1,603,644 alleles (0.000062%); highest among the groups gnomAD compares: Non-Finnish European, 0.000085%; no homozygotes.

Submission:

Labcorp Genetics (formerly Invitae), Labcorp
Classification: Uncertain significance for Desmin-related myofibrillar myopathy. Last evaluated: 2024-11-18. Review status: criteria provided, single submitter. Criteria: Invitae Variant Classification Sherloc (09022015). Collection method: clinical testing. Allele origin: germline.
Comment: This sequence change replaces proline, which is neutral and non-polar, with leucine, which is neutral and non-polar, at codon 22 of the DES protein (p.Pro22Leu). The frequency data for this variant in the population databases is considered unreliable, as metrics indicate poor data quality at this position in the gnomAD database. This variant has not been reported in the literature in individuals affected with DES-related conditions. Invitae Evidence Modeling of protein sequence and biophysical properties (such as structural, functional, and spatial information, amino acid conservation, physicochemical variation, residue mobility, and thermodynamic stability) indicates that this missense variant is not expected to disrupt DES protein function with a negative predictive value of 80%. In summary, the available evidence is currently insufficient to determine the role of this variant in disease. Therefore, it has been classified as a Variant of Uncertain Significance.